The following is an entry in ClinVar:

NM_201253.3(CRB1):c.713C>A (p.Thr238Asn)

Gene: CRB1 (crumbs cell polarity complex component 1; plus strand). Cytogenetic location: 1q31.3.
Variant type: single nucleotide variant.
Coding change: c.713C>A on transcript NM_201253.3 (MANE Select); coding-DNA position 713, C replaced by A.
Protein change: p.Thr238Asn; replaces threonine 238 with asparagine.
Molecular consequence: missense variant. On other transcripts: non-coding transcript variant (2), intron variant (1).
Genome position (GRCh38, 1-based): chr1:197,344,341, C>A. VCF-style: chr1-197344341-C-A. GRCh37 (hg19) VCF-style: chr1-197313471-C-A.
Other names: c.506C>A, p.Thr169Asn (NM_001257965.2); c.713C>A, p.Thr238Asn (NM_001257966.2); c.653-12490C>A (NM_001193640.2); short protein forms T238N, T169N.
Identifiers: ClinVar variation 623711 (VCV000623711.47), dbSNP rs1452822430, ClinGen allele CA344083236.

ClinVar aggregate classification (germline): Uncertain significance. Review status: criteria provided, multiple submitters, no conflicts (2 of 4 stars). 6 submissions from 4 submitters: Uncertain significance (6). Last evaluated 2024-04-29.

Conditions:
Retinitis pigmentosa 12 (RP12). Also called: RP WITH OR WITHOUT PRESERVED PARAARTERIOLE RETINAL PIGMENT EPITHELIUM; RETINITIS PIGMENTOSA WITH OR WITHOUT PARAARTERIOLAR PRESERVATION OF RETINAL PIGMENT EPITHELIUM; RP WITH OR WITHOUT PPRPE. Identifiers: Orphanet 791, MedGen C1838647, MONDO:0010818, OMIM 600105.
Leber congenital amaurosis 8 (LCA8). Identifiers: Orphanet 65, MedGen C3151202, MONDO:0013453, OMIM 613835.
Pigmented paravenous retinochoroidal atrophy. Identifiers: Orphanet 251295, MedGen C1868310, MONDO:0008246, OMIM 172870.

Allele frequency attached by ClinVar (database versions not stated): gnomAD exomes below 0.00001; TOPMed below 0.00001; gnomAD 0.00001.
gnomAD v4.1: 12 of 1,614,052 alleles (0.00074%); highest among the groups gnomAD compares: Non-Finnish European, 0.00093%; no homozygotes.

Submissions (6):

Blueprint Genetics
Classification: Uncertain significance. Last evaluated: 2024-04-29. Review status: criteria provided, single submitter. Criteria: ACMG Guidelines, 2015. Collection method: clinical testing. Allele origin: germline.

Genome-Nilou Lab
Classification: Uncertain significance for Leber congenital amaurosis 8. Last evaluated: 2023-04-11. Review status: criteria provided, single submitter. Criteria: ACMG Guidelines, 2015. Collection method: clinical testing. Allele origin: germline. Affected: no.

Genome-Nilou Lab
Classification: Uncertain significance for Pigmented paravenous retinochoroidal atrophy. Last evaluated: 2023-04-11. Review status: criteria provided, single submitter. Criteria: ACMG Guidelines, 2015. Collection method: clinical testing. Allele origin: germline. Affected: no.

Genome-Nilou Lab
Classification: Uncertain significance for Retinitis pigmentosa 12. Last evaluated: 2023-04-11. Review status: criteria provided, single submitter. Criteria: ACMG Guidelines, 2015. Collection method: clinical testing. Allele origin: germline. Affected: no.

Labcorp Genetics (formerly Invitae), Labcorp
Classification: Uncertain significance for Leber congenital amaurosis 8; Retinitis pigmentosa 12. Last evaluated: 2021-09-17. Review status: criteria provided, single submitter. Criteria: Invitae Variant Classification Sherloc (09022015). Collection method: clinical testing. Allele origin: germline.
Comment: This sequence change replaces threonine with asparagine at codon 238 of the CRB1 protein (p.Thr238Asn). The threonine residue is highly conserved and there is a small physicochemical difference between threonine and asparagine. This variant is not present in population databases (ExAC no frequency). This variant has not been reported in the literature in individuals with CRB1-related conditions. ClinVar contains an entry for this variant (Variation ID: 623711). Algorithms developed to predict the effect of missense changes on protein structure and function are either unavailable or do not agree on the potential impact of this missense change (SIFT: "Deleterious"; PolyPhen-2: "Benign"; Align-GVGD: "Class C55"). In summary, the available evidence is currently insufficient to determine the role of this variant in disease. Therefore, it has been classified as a Variant of Uncertain Significance.

CeGaT Center for Human Genetics Tuebingen
Classification: Uncertain significance. Last evaluated: 2018-09-01. Review status: criteria provided, single submitter. Criteria: CeGaT Center For Human Genetics Tuebingen Variant Classification Criteria Version 2. Collection method: clinical testing. Allele origin: germline. Affected: yes. Observed: 1 variant allele.